The following is an entry in ClinVar:

ClinVar aggregate classification (germline): Likely pathogenic (1 of 4 stars; one submission).

Conditions:
Cardiovascular phenotype. Identifiers: MedGen CN230736.

Submission:

Ambry Genetics
Classification: Likely pathogenic for Cardiovascular phenotype. Last evaluated: 2026-08-28. Review status: criteria provided, single submitter. Criteria: Ambry Variant Classification Scheme 2023. Collection method: clinical testing. Allele origin: germline.
Comment: The c.678_689+1del13 variant results from a deletion of 13 nucleotides between positions c.678 and c.689+1 and involves the canonical splice donor site after coding exon 5 of the ENG gene. This variant was reported in individual(s) with features consistent with hereditary hemorrhagic telangiectasia (Ambry internal data). This variant is considered to be rare based on population cohorts in the Genome Aggregation Database (gnomAD). The canonical splice donor site is highly conserved in available vertebrate species. In silico splice site analysis predicts that this alteration will weaken the native splice donor site, however, the exact impact of this deletion on splicing and function is currently unknown. Variants that disrupt the canonical splice site are expected to cause aberrant splicing, resulting in an abnormal protein or a transcript that is subject to nonsense-mediated mRNA decay. As such, this variant is classified as likely pathogenic.

NM_001114753.3(ENG):c.678_689+1del

Gene: ENG (endoglin; minus strand). Cytogenetic location: 9q34.11.
Variant type: Deletion.
Coding change: c.678_689+1del on transcript NM_001114753.3 (MANE Select); coding-DNA position 678 through the canonical splice donor site of the intron after coding-DNA position 689, 13 bases deleted (CCACTCGGCCGGG).
Molecular consequence: splice donor variant.
Genome position (GRCh38, 1-based): chr9:127,825,694-127,825,706, CCCGGCCGAGTGG deleted on the plus strand (CCACTCGGCCGGG on the coding strand, the reverse complement: ENG is on the minus strand); deleting any 13 consecutive bases within chr9:127,825,694-127,825,712 gives the same sequence; the c. name uses the placement nearest the transcript's 3' end. VCF-style (leftmost placement, unchanged base first): chr9-127825693-ACCCGGCCGAGTGG-A. GRCh37 (hg19) VCF-style: chr9-130587972-ACCCGGCCGAGTGG-A.
Other names: c.678_689+1del (NM_000118.4, NM_001406715.1); c.132_143+1del (NM_001278138.2).
Identifiers: ClinVar variation 5035991 (VCV005035991.1).